The following is an entry in ClinVar:

NM_000465.4(BARD1):c.306C>A (p.Asp102Glu)

Gene: BARD1 (BRCA1 associated RING domain 1; minus strand). Cytogenetic location: 2q35.
Variant type: single nucleotide variant.
Coding change: c.306C>A on transcript NM_000465.4 (MANE Select); coding-DNA position 306, C replaced by A.
Protein change: p.Asp102Glu; replaces aspartic acid 102 with glutamic acid.
Molecular consequence: missense variant. On other transcripts: non-coding transcript variant (1), intron variant (2).
Genome position (GRCh38, 1-based): chr2:214,792,355, G>T on the plus strand (C>A on the coding strand, the complement: BARD1 is on the minus strand). VCF-style: chr2-214792355-G-T. GRCh37 (hg19) VCF-style: chr2-215657079-G-T.
Other names: c.249C>A, p.Asp83Glu (NM_001282543.2); c.306C>A, p.Asp102Glu (NM_001282549.2); c.158+17057C>A (NM_001282548.2); c.215+4706C>A (NM_001282545.2); short protein forms D102E, D83E.
Identifiers: ClinVar variation 3641085 (VCV003641085.2).

ClinVar aggregate classification (germline): Uncertain significance (1 of 4 stars; one submission).

Conditions:
Familial cancer of breast. Also called: hereditary breast carcinoma; Hereditary breast cancer; BREAST CANCER, FAMILIAL. Identifiers: Orphanet 227535, MedGen C0346153, MONDO:0016419, OMIM 114480. Disease mechanism: loss of function.

Submission:

Labcorp Genetics (formerly Invitae), Labcorp
Classification: Uncertain significance for Familial cancer of breast. Last evaluated: 2024-02-15. Review status: criteria provided, single submitter. Criteria: Invitae Variant Classification Sherloc (09022015). Collection method: clinical testing. Allele origin: germline.
Comment: This sequence change replaces aspartic acid, which is acidic and polar, with glutamic acid, which is acidic and polar, at codon 102 of the BARD1 protein (p.Asp102Glu). This variant is not present in population databases (gnomAD no frequency). This variant has not been reported in the literature in individuals affected with BARD1-related conditions. An algorithm developed to predict the effect of missense changes on protein structure and function (PolyPhen-2) suggests that this variant is likely to be tolerated. In summary, the available evidence is currently insufficient to determine the role of this variant in disease. Therefore, it has been classified as a Variant of Uncertain Significance.